The following is an entry in ClinVar:

ClinVar aggregate classification (germline): Pathogenic (1 of 4 stars; one submission).

Submission:

Labcorp Genetics (formerly Invitae), Labcorp
Classification: Pathogenic. Last evaluated: 2024-02-11. Review status: criteria provided, single submitter. Criteria: Invitae Variant Classification Sherloc (09022015). Collection method: clinical testing. Allele origin: germline.
Comment: This sequence change creates a premature translational stop signal (p.Gln951*) in the LAMB3 gene. It is expected to result in an absent or disrupted protein product. Loss-of-function variants in LAMB3 are known to be pathogenic (PMID: 11023379, 16473856). This variant is not present in population databases (gnomAD no frequency). This variant has not been reported in the literature in individuals affected with LAMB3-related conditions. For these reasons, this variant has been classified as Pathogenic.

Literature cited by the submitters: PubMed 11023379; PubMed 16473856.

NM_000228.3(LAMB3):c.2851C>T (p.Gln951Ter)

Gene: LAMB3 (laminin subunit beta 3; minus strand). Cytogenetic location: 1q32.2.
Variant type: single nucleotide variant.
Coding change: c.2851C>T on transcript NM_000228.3 (MANE Select); coding-DNA position 2851, C replaced by T.
Protein change: p.Gln951Ter; replaces glutamine 951 with a stop codon.
Molecular consequence: nonsense.
Genome position (GRCh38, 1-based): chr1:209,618,510, G>A on the plus strand (C>T on the coding strand, the complement: LAMB3 is on the minus strand). VCF-style: chr1-209618510-G-A. GRCh37 (hg19) VCF-style: chr1-209791855-G-A.
Other names: c.2851C>T, p.Gln951Ter (NM_001017402.2, NM_001127641.1); short protein forms Q951*.
Identifiers: ClinVar variation 3640194 (VCV003640194.2).